The following is an entry in ClinVar:

NM_014003.4(DHX38):c.418C>T (p.Arg140Trp)

Gene: DHX38 (DEAH-box helicase 38; plus strand). Cytogenetic location: 16q22.2.
Variant type: single nucleotide variant.
Coding change: c.418C>T on transcript NM_014003.4 (MANE Select); coding-DNA position 418, C replaced by T.
Protein change: p.Arg140Trp; replaces arginine 140 with tryptophan.
Molecular consequence: missense variant.
Genome position (GRCh38, 1-based): chr16:72,096,916, C>T. VCF-style: chr16-72096916-C-T. GRCh37 (hg19) VCF-style: chr16-72130815-C-T.
Other names: short protein forms R140W.
Identifiers: ClinVar variation 1488937 (VCV001488937.9), dbSNP rs1050362, ClinGen allele CA396700943.

ClinVar aggregate classification (germline): Uncertain significance. Review status: criteria provided, multiple submitters, no conflicts (2 of 4 stars). 2 submissions from 2 submitters: Uncertain significance (2). Last evaluated 2024-11-18.

gnomAD v4.1: 19 of 1,613,660 alleles (0.0012%); highest among the groups gnomAD compares: East Asian, 0.016%; no homozygotes.

Submissions (3):

Labcorp Genetics (formerly Invitae), Labcorp
Classification: Uncertain significance. Last evaluated: 2024-11-18. Review status: criteria provided, single submitter. Criteria: Invitae Variant Classification Sherloc (09022015). Collection method: clinical testing. Allele origin: germline.
Comment: This sequence change replaces arginine, which is basic and polar, with tryptophan, which is neutral and slightly polar, at codon 140 of the DHX38 protein (p.Arg140Trp). This variant is present in population databases (no rsID available, gnomAD 0.03%). This variant has not been reported in the literature in individuals affected with DHX38-related conditions. ClinVar contains an entry for this variant (Variation ID: 1488937). An algorithm developed to predict the effect of missense changes on protein structure and function (PolyPhen-2) suggests that this variant is likely to be disruptive. In summary, the available evidence is currently insufficient to determine the role of this variant in disease. Therefore, it has been classified as a Variant of Uncertain Significance.

Blueprint Genetics
Classification: Uncertain significance. Last evaluated: 2022-11-04. Review status: criteria provided, single submitter. Criteria: ACMG Guidelines, 2015. Collection method: clinical testing. Allele origin: germline.

Dr. Peter K. Rogan Lab, Western University
No classification provided (evidence only). Condition: Ovarian serous cystadenocarcinoma. Review status: no classification provided. Collection method: in vitro. Allele origin: not applicable. Functional consequence: retained intron. Not counted in ClinVar's aggregate classification.